The following is an entry in ClinVar:

NM_001127208.3(TET2):c.4112T>A (p.Val1371Asp)

Genes: TET2 (tet methylcytosine dioxygenase 2; plus strand), TET2-AS1 (TET2 antisense RNA 1; minus strand). Cytogenetic location: 4q24.
Variant type: single nucleotide variant.
Coding change: c.4112T>A on transcript NM_001127208.3 (MANE Select); coding-DNA position 4112, T replaced by A.
Protein change: p.Val1371Asp; replaces valine 1371 with aspartic acid.
Molecular consequence: missense variant.
Genome position (GRCh38, 1-based): chr4:105,269,677, T>A. VCF-style: chr4-105269677-T-A. GRCh37 (hg19) VCF-style: chr4-106190834-T-A.
Other names: short protein forms V1371D.
Identifiers: ClinVar variation 3651275 (VCV003651275.2).

ClinVar aggregate classification (germline): Uncertain significance (1 of 4 stars; one submission).

Submission:

Labcorp Genetics (formerly Invitae), Labcorp
Classification: Uncertain significance. Last evaluated: 2024-04-26. Review status: criteria provided, single submitter. Criteria: Invitae Variant Classification Sherloc (09022015). Collection method: clinical testing. Allele origin: germline.
Comment: This sequence change replaces valine, which is neutral and non-polar, with aspartic acid, which is acidic and polar, at codon 1371 of the TET2 protein (p.Val1371Asp). This variant is present in population databases (no rsID available, gnomAD 0.002%). This variant has not been reported in the literature in individuals affected with TET2-related conditions. An algorithm developed to predict the effect of missense changes on protein structure and function (PolyPhen-2) suggests that this variant is likely to be disruptive. In summary, the available evidence is currently insufficient to determine the role of this variant in disease. Therefore, it has been classified as a Variant of Uncertain Significance.